The following is an entry in ClinVar:

NM_020921.4(NIN):c.2516G>A (p.Arg839His)

Gene: NIN (ninein; minus strand). Cytogenetic location: 14q22.1.
Variant type: single nucleotide variant.
Coding change: c.2516G>A on transcript NM_020921.4 (MANE Select); coding-DNA position 2516, G replaced by A.
Protein change: p.Arg839His; replaces arginine 839 with histidine.
Molecular consequence: missense variant. On other transcripts: intron variant (1).
Genome position (GRCh38, 1-based): chr14:50,758,514, C>T on the plus strand (G>A on the coding strand, the complement: NIN is on the minus strand). VCF-style: chr14-50758514-C-T. GRCh37 (hg19) VCF-style: chr14-51225232-C-T.
Other names: c.2516G>A (NM_020921.3); c.2516G>A, p.Arg839His (NM_182944.3, NM_182946.2); c.2399+1343G>A (NM_016350.5); short protein forms R839H.
Identifiers: ClinVar variation 1477757 (VCV001477757.7), dbSNP rs764095375, ClinGen allele CA7181917.
Genomic context (GRCh38, chr14:50,758,514, plus strand): 5'-TCCCACTGGGATTTCTCCTCACGCTGCTGTTCCTGGAGGTCCTTCAGCTCTTGGCGGTAG[C>T]GCCCCTCCAGGCTTTGCAGAGCGCTTTCACACCTCTCAGTGACTTTCTGACAATCAGACT-3'
Protein context (NP_065972.4, residues 829-849): CESALQSLEG[Arg839His]YRQELKDLQE

ClinVar aggregate classification (germline): Conflicting classifications of pathogenicity. Review status: criteria provided, conflicting classifications (1 of 4 stars). 2 submissions from 2 submitters: Uncertain significance (1); Likely benign (1). Last evaluated 2025-08-22.

Allele frequency attached by ClinVar (database versions not stated): ExAC 0.00003; gnomAD 0.00003 and 0.00004; gnomAD exomes 0.00004 and 0.00007; TOPMed 0.00004.
gnomAD v4.1: 70 of 1,614,086 alleles (0.0043%); highest among the groups gnomAD compares: Admixed American, 0.01%; no homozygotes.

Submissions (2):

Ambry Genetics
Classification: Likely benign. Last evaluated: 2025-08-22. Review status: criteria provided, single submitter. Criteria: Ambry Variant Classification Scheme 2023. Collection method: clinical testing. Allele origin: germline.

Labcorp Genetics (formerly Invitae), Labcorp
Classification: Uncertain significance. Last evaluated: 2024-08-12. Review status: criteria provided, single submitter. Criteria: Invitae Variant Classification Sherloc (09022015). Collection method: clinical testing. Allele origin: germline.
Comment: This sequence change replaces arginine, which is basic and polar, with histidine, which is basic and polar, at codon 839 of the NIN protein (p.Arg839His). This variant is present in population databases (rs764095375, gnomAD 0.02%). This variant has not been reported in the literature in individuals affected with NIN-related conditions. ClinVar contains an entry for this variant (Variation ID: 1477757). An algorithm developed to predict the effect of missense changes on protein structure and function outputs the following: PolyPhen-2: "Benign". The histidine amino acid residue is found in multiple mammalian species, which suggests that this missense change does not adversely affect protein function. In summary, the available evidence is currently insufficient to determine the role of this variant in disease. Therefore, it has been classified as a Variant of Uncertain Significance.